The following is an entry in ClinVar:

NM_000127.3(EXT1):c.1217del (p.Gln406fs)

Gene: EXT1 (exostosin glycosyltransferase 1; minus strand). Cytogenetic location: 8q24.11.
Variant type: Deletion.
Coding change: c.1217del on transcript NM_000127.3 (MANE Select); coding-DNA position 1217, one base deleted (A; older notation c.1217delA).
Protein change: p.Gln406fs; shifts the reading frame from glutamine 406.
Molecular consequence: frameshift variant.
Genome position (GRCh38, 1-based): chr8:117,830,297, T deleted on the plus strand (A on the coding strand, the reverse complement: EXT1 is on the minus strand). VCF-style (leftmost placement, unchanged base first): chr8-117830296-CT-C. GRCh37 (hg19) VCF-style: chr8-118842535-CT-C.
Other names: short protein forms Q406fs.
Identifiers: ClinVar variation 1351148 (VCV001351148.6), dbSNP rs2129772259, ClinGen allele CA2573142835.

ClinVar aggregate classification (germline): Pathogenic (1 of 4 stars; one submission).

Conditions:
Multiple congenital exostosis (EXT). Also called: Multiple exostoses; Multiple osteochondromas; Hereditary multiple exostoses; Hereditary multiple exostosis; MULTIPLE CARTILAGINOUS EXOSTOSES; Hereditary multiple osteochondromas. Identifiers: Orphanet 321, MedGen C0015306, MONDO:0005508, HP:0002762.

Submission:

Labcorp Genetics (formerly Invitae), Labcorp
Classification: Pathogenic for Multiple congenital exostosis. Last evaluated: 2021-12-03. Review status: criteria provided, single submitter. Criteria: Invitae Variant Classification Sherloc (09022015). Collection method: clinical testing. Allele origin: germline.
Comment: This sequence change creates a premature translational stop signal (p.Gln406Argfs*19) in the EXT1 gene. It is expected to result in an absent or disrupted protein product. Loss-of-function variants in EXT1 are known to be pathogenic (PMID: 10679937, 11391482, 19810120). This variant is not present in population databases (gnomAD no frequency). This variant has not been reported in the literature in individuals affected with EXT1-related conditions. For these reasons, this variant has been classified as Pathogenic.

Literature cited by the submitters: PubMed 10679937; PubMed 11391482; PubMed 19810120.